The following is an entry in ClinVar:

ClinVar aggregate classification (germline): Uncertain significance (1 of 4 stars; one submission).

gnomAD v4.1: 4 of 1,613,920 alleles (0.00025%); highest among the groups gnomAD compares: South Asian, 0.0033%; no homozygotes.

Submission:

Dasa
Classification: Uncertain significance. Last evaluated: 2024-10-19. Review status: criteria provided, single submitter. Criteria: DASA Assertion Criteria. Collection method: clinical testing. Allele origin: germline.
Comment: NM_172362.3(KCNH1):c.2485G>A (p.Gly829Ser) is a missense variant that results in the substitution of glycine with serine. This variant is rare in population databases. Computational prediction algorithms are consistent with a benign effect. The currently available literature and clinical evidence are not sufficient to establish a definitive association between this variant and the reported condition. Therefore, this variant is classified as a variant of uncertain significance.

NM_172362.3(KCNH1):c.2485G>A (p.Gly829Ser)

Gene: KCNH1 (potassium voltage-gated channel subfamily H member 1; minus strand). Cytogenetic location: 1q32.2.
Variant type: single nucleotide variant.
Coding change: c.2485G>A on transcript NM_172362.3 (MANE Select); coding-DNA position 2485, G replaced by A.
Protein change: p.Gly829Ser; replaces glycine 829 with serine.
Molecular consequence: missense variant.
Genome position (GRCh38, 1-based): chr1:210,683,766, C>T on the plus strand (G>A on the coding strand, the complement: KCNH1 is on the minus strand). VCF-style: chr1-210683766-C-T. GRCh37 (hg19) VCF-style: chr1-210857108-C-T.
Other names: c.2404G>A, p.Gly802Ser (NM_002238.4); short protein forms G802S, G829S.
Identifiers: ClinVar variation 5021063 (VCV005021063.1).
Genomic context (GRCh38, chr1:210,683,766, plus strand): 5'-CCTCACTCTTCCCGCAAGCATCTTTGAAGCGGGCCCAGCTTTTGCGCTTGGCACAATCGC[C>T]CCCGCCCCCCTTGGGGCCCAGGCACTCGGACCCTGGCGCCTGTAGCTTTGCGTGGTCTGG-3'
Protein context (NP_758872.1, residues 819-839): SECLGPKGGG[Gly829Ser]DCAKRKSWAR